The following is an entry in ClinVar:

NM_198123.2(CSMD3):c.6204T>C (p.Tyr2068=)

Gene: CSMD3 (CUB and Sushi multiple domains 3; minus strand). Cytogenetic location: 8q23.3.
Variant type: single nucleotide variant.
Coding change: c.6204T>C on transcript NM_198123.2 (MANE Select); coding-DNA position 6204, T replaced by C.
Protein change: p.Tyr2068=; no amino-acid change (tyrosine 2068 retained).
Molecular consequence: synonymous variant.
Genome position (GRCh38, 1-based): chr8:112,352,467, A>G on the plus strand (T>C on the coding strand, the complement: CSMD3 is on the minus strand). VCF-style: chr8-112352467-A-G. GRCh37 (hg19) VCF-style: chr8-113364696-A-G.
Other names: c.5604T>C, p.Tyr1868= (NM_001363185.1); c.5892T>C, p.Tyr1964= (NM_052900.3); c.6084T>C, p.Tyr2028= (NM_198124.2).
Identifiers: ClinVar variation 3058894 (VCV003058894.2), dbSNP rs11778209, ClinGen allele CA4849655.
Genomic context (GRCh38, chr8:112,352,467, plus strand): 5'-TAGACTTACCTGAAGAGAATATCCTTGATCACACTGAAAGGATACTACATCTCCAACCAT[A>G]TATCTGTCTCCAATTTTAATTCCACTGCTAGGAGTTTGTGGTTCAGGACAGGAATCCAAA-3'
Protein context (NP_937756.1, residues 2058-2078): PSSGIKIGDR[Tyr2068=]MVGDVVSFQC

ClinVar aggregate classification (germline): Benign (0 of 4 stars; one submission).

Conditions:
CSMD3-related disorder. Also called: CSMD3-related condition.

Allele frequency attached by ClinVar (database versions not stated): ESP Exome Variant Server 0.17602; gnomAD 0.20322; TOPMed 0.20544; 1000 Genomes Project 30x 0.24391; 1000 Genomes Project 0.25020; ExAC 0.25135.
gnomAD v4.1: 376,002 of 1,612,978 alleles (23%); highest among the groups gnomAD compares: East Asian, 43%; 46,369 homozygotes.

Submission:

PreventionGenetics, part of Exact Sciences
Classification: Benign for CSMD3-related condition. Last evaluated: 2019-10-28. Review status: no assertion criteria provided. Collection method: clinical testing. Allele origin: germline.
Comment: This variant is classified as benign based on ACMG/AMP sequence variant interpretation guidelines (Richards et al. 2015 PMID: 25741868, with internal and published modifications).